The following is an entry in ClinVar:

ClinVar aggregate classification (germline): Uncertain significance (1 of 4 stars; one submission).

Conditions:
Bethlem myopathy 1A. Also called: MYOPATHY, BENIGN CONGENITAL, WITH CONTRACTURES; Bethlem myopathy 1; Bethlem Muscular Dystrophy. Identifiers: Orphanet 610, MedGen CN029274, MONDO:0024530, OMIM 158810.

Allele frequency attached by ClinVar (database versions not stated): gnomAD exomes below 0.00001.
gnomAD v4.1: 1 of 1,609,794 alleles (0.000062%); highest among the groups gnomAD compares: Non-Finnish European, 0.000085%; no homozygotes.

Submission:

Labcorp Genetics (formerly Invitae), Labcorp
Classification: Uncertain significance for Bethlem myopathy 1A. Last evaluated: 2024-08-05. Review status: criteria provided, single submitter. Criteria: Invitae Variant Classification Sherloc (09022015). Collection method: clinical testing. Allele origin: germline.
Comment: This sequence change replaces valine, which is neutral and non-polar, with methionine, which is neutral and non-polar, at codon 783 of the COL6A2 protein (p.Val783Met). This variant is not present in population databases (gnomAD no frequency). This variant has not been reported in the literature in individuals affected with COL6A2-related conditions. ClinVar contains an entry for this variant (Variation ID: 858090). Advanced modeling of protein sequence and biophysical properties (such as structural, functional, and spatial information, amino acid conservation, physicochemical variation, residue mobility, and thermodynamic stability) has been performed at Invitae for this missense variant, however the output from this modeling did not meet the statistical confidence thresholds required to predict the impact of this variant on COL6A2 protein function. In summary, the available evidence is currently insufficient to determine the role of this variant in disease. Therefore, it has been classified as a Variant of Uncertain Significance.

NM_001849.4(COL6A2):c.2347G>A (p.Val783Met)

Gene: COL6A2 (collagen type VI alpha 2 chain; plus strand). Cytogenetic location: 21q22.3.
Variant type: single nucleotide variant.
Coding change: c.2347G>A on transcript NM_001849.4 (MANE Select); coding-DNA position 2347, G replaced by A.
Protein change: p.Val783Met; replaces valine 783 with methionine.
Molecular consequence: missense variant.
Genome position (GRCh38, 1-based): chr21:46,126,162, G>A. VCF-style: chr21-46126162-G-A. GRCh37 (hg19) VCF-style: chr21-47546076-G-A.
Other names: c.2347G>A, p.Val783Met (NM_058174.3, NM_058175.3); short protein forms V783M.
Identifiers: ClinVar variation 858090 (VCV000858090.10), dbSNP rs1194893303, ClinGen allele CA410542674.